The following is an entry in ClinVar:

ClinVar aggregate classification (germline): Uncertain significance (0 of 4 stars; one submission).

Conditions:
MAP1B-related disorder. Also called: MAP1B-related condition.

Submission:

PreventionGenetics, part of Exact Sciences
Classification: Uncertain significance for MAP1B-related condition. Last evaluated: 2024-08-27. Review status: no assertion criteria provided. Collection method: clinical testing. Allele origin: germline.
Comment: The MAP1B c.6001C>G variant is predicted to result in the amino acid substitution p.Leu2001Val. To our knowledge, this variant has not been reported in the literature or in a large population database, indicating this variant is rare. At this time, the clinical significance of this variant is uncertain due to the absence of conclusive functional and genetic evidence.

NM_005909.5(MAP1B):c.6001C>G (p.Leu2001Val)

Gene: MAP1B (microtubule associated protein 1B; plus strand). Cytogenetic location: 5q13.2.
Variant type: single nucleotide variant.
Coding change: c.6001C>G on transcript NM_005909.5 (MANE Select); coding-DNA position 6001, C replaced by G.
Protein change: p.Leu2001Val; replaces leucine 2001 with valine.
Molecular consequence: missense variant.
Genome position (GRCh38, 1-based): chr5:72,199,356, C>G. VCF-style: chr5-72199356-C-G. GRCh37 (hg19) VCF-style: chr5-71495183-C-G.
Other names: c.5623C>G, p.Leu1875Val (NM_001324255.2); short protein forms L1875V, L2001V.
Identifiers: ClinVar variation 3350748 (VCV003350748.1).
Genomic context (GRCh38, chr5:72,199,356, plus strand): 5'-AGAAGGCTTCTGGATGACATCAGCAATGGCTATGATGACTCTGAGGATGGTGGCCACACA[C>G]TTGGGGACCCCAGCTACTCTTATGAAACCACTGAGAAAATTACCAGTTTCCCTGAGTCTG-3'
Protein context (NP_005900.2, residues 1991-2011): YDDSEDGGHT[Leu2001Val]GDPSYSYETT